The following is an entry in ClinVar:

ClinVar aggregate classification (germline): Uncertain significance (1 of 4 stars; one submission).

Allele frequency attached by ClinVar (database versions not stated): ExAC 0.00001; gnomAD exomes 0.00001; TOPMed 0.00003; gnomAD 0.00004.
gnomAD v4.1: 14 of 1,609,630 alleles (0.00087%); highest among the groups gnomAD compares: African/African-American, 0.0053%; no homozygotes.

Submission:

Labcorp Genetics (formerly Invitae), Labcorp
Classification: Uncertain significance. Last evaluated: 2022-06-20. Review status: criteria provided, single submitter. Criteria: Invitae Variant Classification Sherloc (09022015). Collection method: clinical testing. Allele origin: germline.
Comment: In summary, the available evidence is currently insufficient to determine the role of this variant in disease. Therefore, it has been classified as a Variant of Uncertain Significance. Algorithms developed to predict the effect of missense changes on protein structure and function are either unavailable or do not agree on the potential impact of this missense change (SIFT: "Not Available"; PolyPhen-2: "Possibly Damaging"; Align-GVGD: "Not Available"). This variant has not been reported in the literature in individuals affected with A4GALT-related conditions. This variant is present in population databases (rs771082385, gnomAD 0.004%). This sequence change replaces arginine with cysteine at codon 340 of the A4GALT protein (p.Arg340Cys). The arginine residue is moderately conserved and there is a large physicochemical difference between arginine and cysteine.

NM_017436.7(A4GALT):c.1018C>T (p.Arg340Cys)

Gene: A4GALT (alpha 1,4-galactosyltransferase (P1PK blood group); minus strand). Cytogenetic location: 22q13.2.
Variant type: single nucleotide variant.
Coding change: c.1018C>T on transcript NM_017436.7 (MANE Select); coding-DNA position 1018, C replaced by T.
Protein change: p.Arg340Cys; replaces arginine 340 with cysteine.
Molecular consequence: missense variant.
Genome position (GRCh38, 1-based): chr22:42,692,934, G>A on the plus strand (C>T on the coding strand, the complement: A4GALT is on the minus strand). VCF-style: chr22-42692934-G-A. GRCh37 (hg19) VCF-style: chr22-43088940-G-A.
Other names: c.1018C>T, p.Arg340Cys (NM_001318038.3); short protein forms R340C.
Identifiers: ClinVar variation 1385893 (VCV001385893.8), dbSNP rs771082385, ClinGen allele CA10270160.